The following is an entry in ClinVar:

ClinVar aggregate classification (germline): Uncertain significance (1 of 4 stars; one submission).

Conditions:
Familial cold autoinflammatory syndrome 2 (FCAS2). Identifiers: Orphanet 247868, MedGen C2673198, MONDO:0012724, OMIM 611762.

Submission:

Labcorp Genetics (formerly Invitae), Labcorp
Classification: Uncertain significance for Familial cold autoinflammatory syndrome 2. Last evaluated: 2024-02-05. Review status: criteria provided, single submitter. Criteria: Invitae Variant Classification Sherloc (09022015). Collection method: clinical testing. Allele origin: germline.
Comment: This sequence change replaces serine, which is neutral and polar, with arginine, which is basic and polar, at codon 326 of the NLRP12 protein (p.Ser326Arg). This variant is not present in population databases (gnomAD no frequency). This variant has not been reported in the literature in individuals affected with NLRP12-related conditions. Advanced modeling of protein sequence and biophysical properties (such as structural, functional, and spatial information, amino acid conservation, physicochemical variation, residue mobility, and thermodynamic stability) performed at Invitae indicates that this missense variant is not expected to disrupt NLRP12 protein function with a negative predictive value of 80%. In summary, the available evidence is currently insufficient to determine the role of this variant in disease. Therefore, it has been classified as a Variant of Uncertain Significance.

NM_144687.4(NLRP12):c.978C>A (p.Ser326Arg)

Gene: NLRP12 (NLR family pyrin domain containing 12; minus strand). Cytogenetic location: 19q13.42.
Variant type: single nucleotide variant.
Coding change: c.978C>A on transcript NM_144687.4 (MANE Select); coding-DNA position 978, C replaced by A.
Protein change: p.Ser326Arg; replaces serine 326 with arginine.
Molecular consequence: missense variant.
Genome position (GRCh38, 1-based): chr19:53,810,681, G>T on the plus strand (C>A on the coding strand, the complement: NLRP12 is on the minus strand). VCF-style: chr19-53810681-G-T. GRCh37 (hg19) VCF-style: chr19-54313935-G-T.
Other names: c.978C>A, p.Ser326Arg (NM_001277126.2, NM_001277129.1); short protein forms S326R.
Identifiers: ClinVar variation 2852922 (VCV002852922.3), dbSNP rs772651421, ClinGen allele CA407415324.